The following is an entry in ClinVar:

NM_014874.4(MFN2):c.817G>T (p.Val273Leu)

Gene: MFN2 (mitofusin 2; plus strand). Cytogenetic location: 1p36.22.
Variant type: single nucleotide variant.
Coding change: c.817G>T on transcript NM_014874.4 (MANE Select); coding-DNA position 817, G replaced by T.
Protein change: p.Val273Leu; replaces valine 273 with leucine.
Molecular consequence: missense variant.
Genome position (GRCh38, 1-based): chr1:12,001,401, G>T. VCF-style: chr1-12001401-G-T. GRCh37 (hg19) VCF-style: chr1-12061458-G-T.
Other names: c.817G>T, p.Val273Leu (NM_001127660.2); short protein forms V273L.
Identifiers: ClinVar variation 2796691 (VCV002796691.4), dbSNP rs1639165942, ClinGen allele CA338441378.

ClinVar aggregate classification (germline): Uncertain significance. Review status: criteria provided, multiple submitters, no conflicts (2 of 4 stars). 2 submissions from 2 submitters: Uncertain significance (2). Last evaluated 2024-08-22.

Conditions:
Charcot-Marie-Tooth disease type 2A2. Also called: CHARCOT-MARIE-TOOTH DISEASE, AXONAL, TYPE 2A2; CHARCOT-MARIE-TOOTH DISEASE, NEURONAL, TYPE 2A2; HEREDITARY MOTOR AND SENSORY NEUROPATHY IIA2; HMSN IIA2; Charcot-Marie-Tooth Neuropathy Type 2A2; CHARCOT-MARIE-TOOTH DISEASE, AXONAL, AUTOSOMAL DOMINANT, TYPE 2A2A. Identifiers: Orphanet 99947, MedGen C4721887, MONDO:0012231, OMIM 609260.
Charcot-Marie-Tooth disease type 2. Also called: Charcot-Marie-Tooth type 2. Identifiers: Orphanet 64746, MedGen C0270914, MONDO:0018993.

Submissions (2):

3billion
Classification: Uncertain significance for Charcot-Marie-Tooth disease type 2A2. Last evaluated: 2024-08-22. Review status: criteria provided, single submitter. Criteria: ACMG Guidelines, 2015. Collection method: clinical testing. Allele origin: germline. Affected: yes.
Comment: The variant is not observed in the gnomAD v4.0.0 dataset. Predicted Consequence/Location: Missense variant In silico tool predictions suggest damaging effect of the variant on gene or gene product [REVEL: 0.88 (>=0.6, sensitivity 0.68 and specificity 0.92); 3Cnet: 0.93 (>=0.6, sensitivity 0.72 and precision 0.9)]. A different missense change at the same codon (p.Val273Gly) have been reported as pathogenic/likely pathogenic with strong evidence (ClinVar ID: VCV000449524 /PMID: 16043786). Therefore, this variant is classified as VUS according to the recommendation of ACMG/AMP guideline.

Labcorp Genetics (formerly Invitae), Labcorp
Classification: Uncertain significance for Charcot-Marie-Tooth disease type 2. Last evaluated: 2023-02-08. Review status: criteria provided, single submitter. Criteria: Invitae Variant Classification Sherloc (09022015). Collection method: clinical testing. Allele origin: germline.
Comment: This variant disrupts the p.Val273 amino acid residue in MFN2. Other variant(s) that disrupt this residue have been determined to be pathogenic (PMID: 16043786, 18316077; Invitae). This suggests that this residue is clinically significant, and that variants that disrupt this residue are likely to be disease-causing. In summary, the available evidence is currently insufficient to determine the role of this variant in disease. Therefore, it has been classified as a Variant of Uncertain Significance. Algorithms developed to predict the effect of missense changes on protein structure and function are either unavailable or do not agree on the potential impact of this missense change (SIFT: "Deleterious"; PolyPhen-2: "Benign"; Align-GVGD: "Class C25"). This sequence change replaces valine, which is neutral and non-polar, with leucine, which is neutral and non-polar, at codon 273 of the MFN2 protein (p.Val273Leu). This variant is not present in population databases (gnomAD no frequency). This variant has not been reported in the literature in individuals affected with MFN2-related conditions.

Literature cited by the submitters: PubMed 16043786 (cited by 3billion and Labcorp Genetics (formerly Invitae), Labcorp); PubMed 18316077 (cited by Labcorp Genetics (formerly Invitae), Labcorp).